The following is an entry in ClinVar:

NM_002907.4(RECQL):c.518T>A (p.Val173Asp)

Gene: RECQL (RecQ like helicase; minus strand). Cytogenetic location: 12p12.1.
Variant type: single nucleotide variant.
Coding change: c.518T>A on transcript NM_002907.4 (MANE Select); coding-DNA position 518, T replaced by A.
Protein change: p.Val173Asp; replaces valine 173 with aspartic acid.
Molecular consequence: missense variant.
Genome position (GRCh38, 1-based): chr12:21,483,558, A>T on the plus strand (T>A on the coding strand, the complement: RECQL is on the minus strand). VCF-style: chr12-21483558-A-T. GRCh37 (hg19) VCF-style: chr12-21636492-A-T.
Other names: c.518T>A, p.Val173Asp (NM_032941.3); short protein forms V173D.
Identifiers: ClinVar variation 584814 (VCV000584814.18), dbSNP rs144313838, ClinGen allele CA6479042.

ClinVar aggregate classification (germline): Conflicting classifications of pathogenicity. Review status: criteria provided, conflicting classifications (1 of 4 stars). 6 submissions from 6 submitters: Uncertain significance (5); Likely benign (1). Last evaluated 2025-11-05.

Conditions:
RECQL-related disorder. Also called: RECQL-related condition.
Hereditary cancer-predisposing syndrome. Also called: Tumor predisposition; Neoplastic Syndromes, Hereditary; Hereditary neoplastic syndrome; Hereditary Cancer Syndrome. Identifiers: Orphanet 140162, MedGen C0027672, MeSH D009386, MONDO:0015356.

Allele frequency attached by ClinVar (database versions not stated): ExAC 0.00012; gnomAD exomes 0.00012 and 0.00014; gnomAD 0.00015 and 0.00019; TOPMed 0.00021; ESP Exome Variant Server 0.00023.
gnomAD v4.1: 231 of 1,576,312 alleles (0.015%); highest among the groups gnomAD compares: South Asian, 0.027%; no homozygotes.

Submissions (6):

Labcorp Genetics (formerly Invitae), Labcorp
Classification: Uncertain significance. Last evaluated: 2025-11-05. Review status: criteria provided, single submitter. Criteria: Invitae Variant Classification Sherloc (09022015). Collection method: clinical testing. Allele origin: germline.
Comment: This sequence change replaces valine, which is neutral and non-polar, with aspartic acid, which is acidic and polar, at codon 173 of the RECQL protein (p.Val173Asp). This variant is present in population databases (rs144313838, gnomAD 0.03%). This missense change has been observed in individual(s) with breast cancer (PMID: 25915596, 30613976, 35264596). ClinVar contains an entry for this variant (Variation ID: 584814). Invitae Evidence Modeling of protein sequence and biophysical properties (such as structural, functional, and spatial information, amino acid conservation, physicochemical variation, residue mobility, and thermodynamic stability) indicates that this missense variant is expected to disrupt RECQL protein function with a positive predictive value of 80%. In summary, the available evidence is currently insufficient to determine the role of this variant in disease. Therefore, it has been classified as a Variant of Uncertain Significance.

Quest Diagnostics Nichols Institute San Juan Capistrano
Classification: Uncertain significance. Last evaluated: 2025-05-15. Review status: criteria provided, single submitter. Criteria: Quest Diagnostics criteria. Collection method: clinical testing. Allele origin: unknown.
Comment: The RECQL c.518T>A (p.Val173Asp) variant has been reported in the published literature in individuals with breast cancer (PMID: 25915596 (2015), 30613976 (2019), 35264596 (2022), 35884425 (2022), 33471991 (2021), see also LOVD), ovarian cancer (PMID: 32546565 (2021)), as well as in reportedly unaffected individuals (PMID: 32546565 (2021), 35884425 (2022), 33471991 (2021), see also LOVD). The frequency of this variant in the general population (Genome Aggregation Database) is uninformative in the assessment of its pathogenicity. Analysis of this variant using bioinformatics tools for the prediction of the effect of amino acid changes on protein structure and function yielded predictions that this variant is damaging. Based on the available information, we are unable to determine the clinical significance of this variant.

GeneDx
Classification: Uncertain significance. Last evaluated: 2024-09-23. Review status: criteria provided, single submitter. Criteria: GeneDx Variant Classification Process June 2021. Collection method: clinical testing. Allele origin: germline. Affected: yes.
Comment: In silico analysis supports that this missense variant has a deleterious effect on protein structure/function; Observed in individuals with breast and ovarian cancer as well as in unaffected controls (PMID: 25915596, 30613976, 35264596, 32546565, 33471991); Variants in candidate genes are classified as variants of uncertain significance in accordance with ACMG guidelines (PMID: 25741868); This variant is associated with the following publications: (PMID: 26455304, 22885699, 30613976, 25915596, 35264596, 19151156, 27248010, 33471991, 32546565)

PreventionGenetics, part of Exact Sciences
Classification: Uncertain significance for RECQL-related condition. Last evaluated: 2022-09-27. Review status: criteria provided, single submitter. Criteria: ACMG Guidelines, 2015. Collection method: clinical testing. Allele origin: germline.
Comment: The RECQL c.518T>A variant is predicted to result in the amino acid substitution p.Val173Asp. This variant is reported in 0.029% of alleles in individuals of South Asian descent in gnomAD and has conflicting interpretations regarding its pathogenicity in ClinVar, ranging from uncertain significance to likely benign. At this time, the clinical significance of this variant is uncertain due to the absence of conclusive functional and genetic evidence.

Ambry Genetics
Classification: Likely benign. Last evaluated: 2020-06-25. Review status: criteria provided, single submitter. Criteria: Ambry Variant Classification Scheme 2023. Collection method: clinical testing. Allele origin: germline.

Mendelics
Classification: Uncertain significance for Hereditary cancer-predisposing syndrome. Last evaluated: 2018-07-02. Review status: criteria provided, single submitter. Criteria: Mendelics Assertion Criteria 2017. Collection method: clinical testing. Allele origin: unknown.

Literature cited by the submitters: PubMed 25915596 (cited by Labcorp Genetics (formerly Invitae), Labcorp and Quest Diagnostics Nichols Institute San Juan Capistrano); PubMed 30613976 (cited by Labcorp Genetics (formerly Invitae), Labcorp and Quest Diagnostics Nichols Institute San Juan Capistrano); PubMed 35264596 (cited by Labcorp Genetics (formerly Invitae), Labcorp and Quest Diagnostics Nichols Institute San Juan Capistrano); PubMed 32546565 (cited by Quest Diagnostics Nichols Institute San Juan Capistrano); PubMed 35884425 (cited by Quest Diagnostics Nichols Institute San Juan Capistrano); PubMed 33471991 (cited by Quest Diagnostics Nichols Institute San Juan Capistrano).